The following is an entry in ClinVar:

ClinVar aggregate classification (germline): Conflicting classifications of pathogenicity. Review status: criteria provided, conflicting classifications (1 of 4 stars). 5 submissions from 5 submitters: Likely pathogenic (2); Uncertain significance (3). Last evaluated 2026-03-02.

Conditions:
Autoinflammatory syndrome. Identifiers: Orphanet 93665, MedGen C3890737, MONDO:0019751.
Deficiency of adenosine deaminase 2. Also called: Polyarteritis nodosa, childhoood-onset; Adenosine Deaminase 2 Deficiency; VASCULITIS, AUTOINFLAMMATION, IMMUNODEFICIENCY, AND HEMATOLOGIC DEFECTS SYNDROME. Identifiers: Orphanet 404553, MedGen C3887654, MONDO:0014306, OMIM 615688, MONDO:0100317.
Sneddon syndrome (SNDNS). Also called: LIVEDO RETICULARIS AND CEREBROVASCULAR ACCIDENTS; Idiopathic livedo reticularis with systemic involvement. Identifiers: Orphanet 820, MedGen C0282492, MONDO:0008436, OMIM 182410.

Allele frequency attached by ClinVar (database versions not stated): gnomAD 0.00001; TOPMed 0.00001; gnomAD exomes 0.00003 and 0.00006; ExAC 0.00010.
gnomAD v4.1: 41 of 1,613,550 alleles (0.0025%); highest among the groups gnomAD compares: South Asian, 0.043%; 2 homozygotes.

Submissions (5):

Women's Health and Genetics/Laboratory Corporation of America, LabCorp
Classification: Likely pathogenic for Deficiency of adenosine deaminase 2. Last evaluated: 2026-03-02. Review status: criteria provided, single submitter. Criteria: LabCorp Variant Classification Summary - May 2015. Collection method: clinical testing. Allele origin: germline.
Comment: Variant summary: ADA2 c.562C>G (p.Leu188Val) results in a conservative amino acid change in the encoded protein sequence. Algorithms developed to predict the effect of missense changes on protein structure and function are either unavailable or do not agree on the potential impact of this missense change. The variant allele was found at a frequency of 6e-05 in 250780 control chromosomes in the gnomAD database, including one homozygote. This frequency is not significantly higher than estimated for disease-causing variants in ADA2, allowing no conclusion about variant significance. c.562C>G has been observed in individuals affected with clinical features of ADA2 deficiency (Sharma_2019, internal data). These data indicate that the variant may be associated with disease. At least two publications report experimental evidence evaluating an impact on protein function. The most pronounced variant effect results in 30%-50% of normal activity (Sharma_2021, Jee_2021). A different variant affecting the same codon has been classified as pathogenic (c.563T>C, p.Leu188Pro), supporting the critical relevance of codon 188 to ADA2 protein function. The following publications have been ascertained in the context of this evaluation (PMID: 34004258, 32892503, 30165497). ClinVar contains an entry for this variant (Variation ID: 1694262). Based on the evidence outlined above, the variant was classified as likely pathogenic.

Labcorp Genetics (formerly Invitae), Labcorp
Classification: Likely pathogenic for Deficiency of adenosine deaminase 2. Last evaluated: 2025-06-12. Review status: criteria provided, single submitter. Criteria: Invitae Variant Classification Sherloc (09022015). Collection method: clinical testing. Allele origin: germline.
Comment: This sequence change replaces leucine, which is neutral and non-polar, with valine, which is neutral and non-polar, at codon 188 of the ADA2 protein (p.Leu188Val). This variant is present in population databases (rs765219776, gnomAD 0.05%), including at least one homozygous and/or hemizygous individual. This missense change has been observed in individual(s) with clinical features of polyarteritis nodosa (PMID: 30165497; internal data). In at least one individual the data is consistent with being in trans (on the opposite chromosome) from a pathogenic variant. ClinVar contains an entry for this variant (Variation ID: 1694262). Invitae Evidence Modeling of protein sequence and biophysical properties (such as structural, functional, and spatial information, amino acid conservation, physicochemical variation, residue mobility, and thermodynamic stability) has been performed for this missense variant. However, the output from this modeling did not meet the statistical confidence thresholds required to predict the impact of this variant on ADA2 protein function. Experimental studies have shown that this missense change affects ADA2 function (PMID: 34004258). In summary, the currently available evidence indicates that the variant is pathogenic, but additional data are needed to prove that conclusively. Therefore, this variant has been classified as Likely Pathogenic.

Fulgent Genetics
Classification: Uncertain significance for Sneddon syndrome; Deficiency of adenosine deaminase 2. Last evaluated: 2021-11-02. Review status: criteria provided, single submitter. Criteria: ACMG Guidelines, 2015. Collection method: clinical testing. Allele origin: unknown.

Genome Diagnostics Laboratory, The Hospital for Sick Children
Classification: Uncertain significance for Autoinflammatory syndrome. Last evaluated: 2016-12-12. Review status: criteria provided, single submitter. Criteria: ACMG Guidelines, 2015. Collection method: clinical testing. Allele origin: germline. Affected: yes.

Neuberg Centre For Genomic Medicine, NCGM
Classification: Uncertain significance for Deficiency of adenosine deaminase 2. Review status: criteria provided, single submitter. Criteria: ACMG Guidelines, 2015. Collection method: clinical testing. Allele origin: germline. Inheritance: Autosomal recessive inheritance. Affected: yes.
Comment: The observed missense variant c.562C>G(p.Leu188Val) in ADA2 gene has not been reported previously as a pathogenic variant nor as a benign variant, to our knowledge. The c.562C>G(p.Leu188Val) variant is reported with 0.01% allele frequency in gnomAD Exomes. The amino acid Leu at position 188 is changed to a Val changing protein sequence and it might alter its composition and physico-chemical properties. This variant has been reported to the ClinVar database as Uncertain Significance. Multiple lines of computational evidence (Polyphen-possibly damaging, SIFT-damaging and Mutation Taster-disease causing) predict a damaging effect on protein structure and function for this variant. The reference amino acid p.Leu188Val in ADA2 is predicted as conserved by GERP++ and PhyloP across 100 vertebrates. For these reasons, this variant has been classified as Uncertain Significance.

Literature cited by the submitters: PubMed 34004258 (cited by Women's Health and Genetics/Laboratory Corporation of America, LabCorp and Labcorp Genetics (formerly Invitae), Labcorp); PubMed 32892503 (cited by Women's Health and Genetics/Laboratory Corporation of America, LabCorp); PubMed 30165497 (cited by Women's Health and Genetics/Laboratory Corporation of America, LabCorp and Labcorp Genetics (formerly Invitae), Labcorp).

NM_001282225.2(ADA2):c.562C>G (p.Leu188Val)

Gene: ADA2 (adenosine deaminase 2; minus strand). Cytogenetic location: 22q11.1.
Variant type: single nucleotide variant.
Coding change: c.562C>G on transcript NM_001282225.2 (MANE Select); coding-DNA position 562, C replaced by G.
Protein change: p.Leu188Val; replaces leucine 188 with valine.
Molecular consequence: missense variant.
Genome position (GRCh38, 1-based): chr22:17,203,754, G>C on the plus strand (C>G on the coding strand, the complement: ADA2 is on the minus strand). VCF-style: chr22-17203754-G-C. GRCh37 (hg19) VCF-style: chr22-17684644-G-C.
Other names: c.562C>G, p.Leu188Val (NM_001282226.2); c.436C>G, p.Leu146Val (NM_001282227.2, NM_001282228.2); c.202C>G, p.Leu68Val (NM_001282229.2); short protein forms L146V, L188V, L68V.
Identifiers: ClinVar variation 1694262 (VCV001694262.9), dbSNP rs765219776, ClinGen allele CA10088186.